The following is an entry in ClinVar:

NM_001375808.2(LPIN2):c.631G>C (p.Glu211Gln)

Gene: LPIN2 (lipin 2; minus strand). Cytogenetic location: 18p11.31.
Variant type: single nucleotide variant.
Coding change: c.631G>C on transcript NM_001375808.2 (MANE Select); coding-DNA position 631, G replaced by C.
Protein change: p.Glu211Gln; replaces glutamic acid 211 with glutamine.
Molecular consequence: missense variant.
Genome position (GRCh38, 1-based): chr18:2,940,672, C>G on the plus strand (G>C on the coding strand, the complement: LPIN2 is on the minus strand). VCF-style: chr18-2940672-C-G. GRCh37 (hg19) VCF-style: chr18-2940670-C-G.
Other names: c.631G>C, p.Glu211Gln (NM_001375809.1, NM_014646.2); short protein forms E211Q.
Identifiers: ClinVar variation 2428598 (VCV002428598.4), dbSNP rs771573884, ClinGen allele CA8873341.
Genomic context (GRCh38, chr18:2,940,672, plus strand): 5'-AAGGGGACCAATCTCCATCAGATAAGGGGTAATGATCCCCAGAATGGAAGAGCAAAGGCT[C>G]TTTACATTCTTCTTCTTTCAAGGAAGCATTTGAAGATCCTCTGTGAAGGAGAAACCAAAG-3'
Protein context (NP_001362737.1, residues 201-221): NASLKEEECK[Glu211Gln]PLLFHSGDHY

ClinVar aggregate classification (germline): Uncertain significance. Review status: criteria provided, multiple submitters, no conflicts (2 of 4 stars). 2 submissions from 2 submitters: Uncertain significance (2). Last evaluated 2023-10-23.

Conditions:
Majeed syndrome (MJDS). Also called: CHRONIC RECURRENT MULTIFOCAL OSTEOMYELITIS 1, WITH CONGENITAL DYSERYTHROPOIETIC ANEMIA, WITH OR WITHOUT NEUTROPHILIC DERMATOSIS; LPIN2-Related Majeed Syndrome. Identifiers: Orphanet 77297, MedGen C1864997, MONDO:0012316, OMIM 609628.

Allele frequency attached by ClinVar (database versions not stated): gnomAD exomes below 0.00001; TOPMed below 0.00001; ExAC 0.00001.

Submissions (2):

Revvity Omics, Revvity
Classification: Uncertain significance for Majeed syndrome. Last evaluated: 2023-10-23. Review status: criteria provided, single submitter. Criteria: ACMG Guidelines, 2015. Collection method: clinical testing. Allele origin: germline.

ARUP Laboratories, Molecular Genetics and Genomics, ARUP Laboratories
Classification: Uncertain significance for Majeed syndrome. Last evaluated: 2022-06-22. Review status: criteria provided, single submitter. Criteria: ARUP Molecular Germline Variant Investigation Process 2021. Collection method: clinical testing. Allele origin: germline.
Comment: The LPIN2 c.631G>C; p.Glu211Gln variant (rs771573884), to our knowledge, is not reported in the medical literature or gene specific databases. This variant is only observed on two allele in the Genome Aggregation Database, indicating it is not a common polymorphism. The glutamate at codon 211 is moderately conserved, but computational analyses are uncertain whether this variant is neutral or deleterious (REVEL: 0.291). Due to limited information, the clinical significance of this variant is uncertain at this time.